The following is an entry in ClinVar:

NM_031407.7(HUWE1):c.10529C>T (p.Pro3510Leu)

Gene: HUWE1 (HECT, UBA and WWE domain containing E3 ubiquitin protein ligase 1; minus strand). Cytogenetic location: Xp11.22.
Variant type: single nucleotide variant.
Coding change: c.10529C>T on transcript NM_031407.7 (MANE Select); coding-DNA position 10529, C replaced by T.
Protein change: p.Pro3510Leu; replaces proline 3510 with leucine.
Molecular consequence: missense variant.
Genome position (GRCh38, 1-based): chrX:53,547,780, G>A on the plus strand (C>T on the coding strand, the complement: HUWE1 is on the minus strand). VCF-style: chrX-53547780-G-A. GRCh37 (hg19) VCF-style: chrX-53574741-G-A.
Other names: short protein forms P3510L.
Identifiers: ClinVar variation 2506818 (VCV002506818.4), dbSNP rs782013868, ClinGen allele CA10421525.
Genomic context (GRCh38, chrX:53,547,780, plus strand): 5'-GCAGCTACGACAATGGTGGAAATAGCCGTGGCAGCAACCAGGGCTGGAGCAGAAGTGACA[G>A]GGGTGGGTGCAGTAGGGGGTGTGGGCGTGGTGGAGGCGGCAGTGGTGGTGGTGGTAGATG-3'
Protein context (NP_113584.3, residues 3500-3520): TTPTPPTAPT[Pro3510Leu]VTSAPALVAA

ClinVar aggregate classification (germline): Uncertain significance. Review status: criteria provided, multiple submitters, no conflicts (2 of 4 stars). 2 submissions from 2 submitters: Uncertain significance (2). Last evaluated 2024-10-31.

Allele frequency attached by ClinVar (database versions not stated): TOPMed 0.00001; gnomAD 0.00002; ExAC 0.00003; 1000 Genomes Project 30x 0.00021; 1000 Genomes Project 0.00026.
gnomAD v4.1: 3 of 1,200,426 alleles (0.00025%); highest among the groups gnomAD compares: Admixed American, 0.0045%; no homozygotes.

Submissions (2):

Labcorp Genetics (formerly Invitae), Labcorp
Classification: Uncertain significance. Last evaluated: 2024-10-31. Review status: criteria provided, single submitter. Criteria: Invitae Variant Classification Sherloc (09022015). Collection method: clinical testing. Allele origin: germline.
Comment: This sequence change replaces proline, which is neutral and non-polar, with leucine, which is neutral and non-polar, at codon 3510 of the HUWE1 protein (p.Pro3510Leu). This variant is present in population databases (rs782013868, gnomAD 0.008%). This variant has not been reported in the literature in individuals affected with HUWE1-related conditions. ClinVar contains an entry for this variant (Variation ID: 2506818). Invitae Evidence Modeling of protein sequence and biophysical properties (such as structural, functional, and spatial information, amino acid conservation, physicochemical variation, residue mobility, and thermodynamic stability) has been performed for this missense variant. However, the output from this modeling did not meet the statistical confidence thresholds required to predict the impact of this variant on HUWE1 protein function. In summary, the available evidence is currently insufficient to determine the role of this variant in disease. Therefore, it has been classified as a Variant of Uncertain Significance.

GeneDx
Classification: Uncertain significance. Last evaluated: 2023-07-14. Review status: criteria provided, single submitter. Criteria: GeneDx Variant Classification Process June 2021. Collection method: clinical testing. Allele origin: germline. Affected: yes.
Comment: In silico analysis supports that this missense variant does not alter protein structure/function; Has not been previously published as pathogenic or benign to our knowledge